The following is an entry in ClinVar:

ClinVar aggregate classification (germline): Likely benign (1 of 4 stars; one submission).

Allele frequency attached by ClinVar (database versions not stated): gnomAD 0.00001; TOPMed 0.00001; ExAC 0.00002; gnomAD exomes 0.00002; ESP Exome Variant Server 0.00008.
gnomAD v4.1: 27 of 1,612,006 alleles (0.0017%); highest among the groups gnomAD compares: Middle Eastern, 0.016%; no homozygotes.

Submission:

CeGaT Center for Human Genetics Tuebingen
Classification: Likely benign. Last evaluated: 2024-03-01. Review status: criteria provided, single submitter. Criteria: CeGaT Center For Human Genetics Tuebingen Variant Classification Criteria Version 2. Collection method: clinical testing. Allele origin: germline. Affected: yes. Observed: 1 variant allele.
Comment: TRIM54: BP4, BP7

NM_187841.3(TRIM54):c.156C>T (p.Asn52=)

Gene: TRIM54 (tripartite motif containing 54; plus strand). Cytogenetic location: 2p23.3.
Variant type: single nucleotide variant.
Coding change: c.156C>T on transcript NM_187841.3 (MANE Select); coding-DNA position 156, C replaced by T.
Protein change: p.Asn52=; no amino-acid change (asparagine 52 retained).
Molecular consequence: synonymous variant.
Genome position (GRCh38, 1-based): chr2:27,282,887, C>T. VCF-style: chr2-27282887-C-T. GRCh37 (hg19) VCF-style: chr2-27505755-C-T.
Other names: c.156C>T, p.Asn52= (NM_032546.4).
Identifiers: ClinVar variation 3234426 (VCV003234426.20), dbSNP rs138433323, ClinGen allele CA1574985.
Genomic context (GRCh38, chr2:27,282,887, plus strand): 5'-GTTCTCCAAACCAGTGGTGATCCTGCCCTGCCAACACAACCTGTGCCGCAAATGTGCCAA[C>T]GACGTCTTCCAGGTGGGTGCCAGGGACGGGGCAGGGCCAGGTAAAGCAATGCAGACCTGT-3'
Protein context (NP_912730.2, residues 42-62): CQHNLCRKCA[Asn52=]DVFQASNPLW